The following is an entry in ClinVar:

NC_000015.9:g.(?_90627498)_(90634896_?)dup

Gene: IDH2 (isocitrate dehydrogenase (NADP(+)) 2; minus strand). Cytogenetic location: 15q26.1.
Variant type: Duplication.
Identifiers: ClinVar variation 2424362 (VCV002424362.4).

ClinVar aggregate classification (germline): Uncertain significance (1 of 4 stars; one submission).

Conditions:
D-2-hydroxyglutaric aciduria 2 (D2HGA2). Identifiers: Orphanet 79315, MedGen C3150909, MONDO:0013345, OMIM 613657.

Submission:

Labcorp Genetics (formerly Invitae), Labcorp
Classification: Uncertain significance for D-2-hydroxyglutaric aciduria 2. Last evaluated: 2022-05-16. Review status: criteria provided, single submitter. Criteria: Invitae Variant Classification Sherloc (09022015). Collection method: clinical testing. Allele origin: germline.
Comment: This variant results in a copy number gain of the genomic region encompassing exon(s) 2-11 of the IDH2 gene. This region includes the termination codon of the gene. This copy number gain extends beyond the assayed region for this gene and therefore may encompass additional genes. As the precise location of this event is unknown, it may be in tandem or it may be located elsewhere in the genome. This variant has not been reported in the literature in individuals affected with IDH2-related conditions. In summary, the available evidence is currently insufficient to determine the role of this variant in disease. Therefore, it has been classified as a Variant of Uncertain Significance.